The following is an entry in ClinVar:

ClinVar aggregate classification (germline): Benign/Likely benign. Review status: criteria provided, multiple submitters, no conflicts (2 of 4 stars). 7 submissions from 7 submitters: Benign (6); Likely benign (1). Last evaluated 2026-02-04.

Allele frequency attached by ClinVar (database versions not stated): 1000 Genomes Project 30x 0.13164; 1000 Genomes Project 0.13578; TOPMed 0.15833; gnomAD 0.16583 and 0.16607; ESP Exome Variant Server 0.16782; gnomAD exomes 0.18938; ExAC 0.21286.
gnomAD v4.1: 340,548 of 1,608,560 alleles (21%); highest among the groups gnomAD compares: Non-Finnish European, 23%; 38,839 homozygotes.

Submissions (7):

Labcorp Genetics (formerly Invitae), Labcorp
Classification: Benign. Last evaluated: 2026-02-04. Review status: criteria provided, single submitter. Criteria: Invitae Variant Classification Sherloc (09022015). Collection method: clinical testing. Allele origin: germline.

Women's Health and Genetics/Laboratory Corporation of America, LabCorp
Classification: Benign. Last evaluated: 2026-01-21. Review status: criteria provided, single submitter. Criteria: LabCorp Variant Classification Summary - May 2015. Collection method: clinical testing. Allele origin: germline.

Blueprint Genetics
Classification: Likely benign. Last evaluated: 2024-11-26. Review status: criteria provided, single submitter. Criteria: ACMG Guidelines, 2015. Collection method: clinical testing. Allele origin: germline.

Unidad de Genómica Garrahan, Hospital de Pediatría Garrahan
Classification: Benign. Last evaluated: 2024-01-24. Review status: criteria provided, single submitter. Criteria: ACMG Guidelines, 2015. Collection method: clinical testing. Allele origin: germline. Affected: no. Observed: 31 variant alleles.
Comment: This variant is classified as Benign based on local population frequency. This variant was detected in 33% of patients studied by a panel of primary immunodeficiencies. Number of patients: 31. Only high quality variants are reported.

Mayo Clinic Laboratories, Mayo Clinic
Classification: Benign. Last evaluated: 2022-09-06. Review status: criteria provided, single submitter. Criteria: ACMG Guidelines, 2015. Collection method: clinical testing. Allele origin: germline. Observed: 10 variant alleles.

Laboratory for Molecular Medicine, Mass General Brigham Personalized Medicine
Classification: Benign. Last evaluated: 2016-03-29. Review status: criteria provided, single submitter. Criteria: LMM Criteria. Collection method: clinical testing. Allele origin: germline.
Comment: Variant identified in a genome or exome case(s) and assessed due to predicted null impact of the variant or pathogenic assertions in the literature or databases. Disclaimer: This variant has not undergone full assessment. The following are preliminary notes: Frequency

Breakthrough Genomics
Classification: Benign. Review status: criteria provided, single submitter. Criteria: ACMG Guidelines, 2015. Collection method: not provided. Allele origin: germline. Inheritance: Autosomal dominant inheritance. Affected: yes.

NM_182972.3(IRF2BP2):c.991C>T (p.Leu331=)

Genes: IRF2BP2 (interferon regulatory factor 2 binding protein 2; minus strand), LOC129932810 (ATAC-STARR-seq lymphoblastoid active region 2760; plus strand). Cytogenetic location: 1q42.3.
Variant type: single nucleotide variant.
Coding change: c.991C>T on transcript NM_182972.3 (MANE Select); coding-DNA position 991, C replaced by T.
Protein change: p.Leu331=; no amino-acid change (leucine 331 retained).
Molecular consequence: synonymous variant.
Genome position (GRCh38, 1-based): chr1:234,608,504, G>A on the plus strand (C>T on the coding strand, the complement: IRF2BP2 is on the minus strand). VCF-style: chr1-234608504-G-A. GRCh37 (hg19) VCF-style: chr1-234744250-G-A.
Other names: p.Leu331=; c.991C>T, p.Leu331= (NM_001077397.1).
Identifiers: ClinVar variation 402982 (VCV000402982.17), dbSNP rs8722, ClinGen allele CA1461706.